The following is an entry in ClinVar:

NM_052947.4(ALPK2):c.1241G>A (p.Ser414Asn)

Gene: ALPK2 (alpha kinase 2; minus strand). Cytogenetic location: 18q21.31.
Variant type: single nucleotide variant.
Coding change: c.1241G>A on transcript NM_052947.4 (MANE Select); coding-DNA position 1241, G replaced by A.
Protein change: p.Ser414Asn; replaces serine 414 with asparagine.
Molecular consequence: missense variant.
Genome position (GRCh38, 1-based): chr18:58,579,535, C>T on the plus strand (G>A on the coding strand, the complement: ALPK2 is on the minus strand). VCF-style: chr18-58579535-C-T. GRCh37 (hg19) VCF-style: chr18-56246767-C-T.
Other names: short protein forms S414N.
Identifiers: ClinVar variation 1758421 (VCV001758421.3), dbSNP rs1007545064, ClinGen allele CA300927219.

ClinVar aggregate classification (germline): Uncertain significance (1 of 4 stars; one submission).

Allele frequency attached by ClinVar (database versions not stated): gnomAD exomes below 0.00001; TOPMed below 0.00001.
gnomAD v4.1: 2 of 1,613,762 alleles (0.00012%); highest among the groups gnomAD compares: Non-Finnish European, 0.00017%; no homozygotes.

Submission:

Ambry Genetics
Classification: Uncertain significance. Last evaluated: 2024-05-31. Review status: criteria provided, single submitter. Criteria: Ambry Variant Classification Scheme 2023. Collection method: clinical testing. Allele origin: germline.
Comment: The p.S414N variant (also known as c.1241G>A), located in coding exon 3 of the ALPK2 gene, results from a G to A substitution at nucleotide position 1241. The serine at codon 414 is replaced by asparagine, an amino acid with highly similar properties. This amino acid position is conserved. In addition, this alteration is predicted to be tolerated by in silico analysis. Since supporting evidence is limited at this time, the clinical significance of this alteration remains unclear.